The following is an entry in ClinVar:

ClinVar aggregate classification (germline): Uncertain significance (1 of 4 stars; one submission).

gnomAD v4.1: 5 of 1,614,126 alleles (0.00031%); highest among the groups gnomAD compares: Non-Finnish European, 0.00034%; no homozygotes.

Submission:

Ambry Genetics
Classification: Uncertain significance. Last evaluated: 2024-11-28. Review status: criteria provided, single submitter. Criteria: Ambry Variant Classification Scheme 2023. Collection method: clinical testing. Allele origin: germline.
Comment: The p.Y233C variant (also known as c.698A>G), located in coding exon 1 of the TET2 gene, results from an A to G substitution at nucleotide position 698. The tyrosine at codon 233 is replaced by cysteine, an amino acid with highly dissimilar properties. This amino acid position is conserved. In addition, this alteration is predicted to be tolerated by in silico analysis. Based on the available evidence, the clinical significance of this variant remains unclear.

NM_001127208.3(TET2):c.698A>G (p.Tyr233Cys)

Genes: TET2 (tet methylcytosine dioxygenase 2; plus strand), TET2-AS1 (TET2 antisense RNA 1; minus strand). Cytogenetic location: 4q24.
Variant type: single nucleotide variant.
Coding change: c.698A>G on transcript NM_001127208.3 (MANE Select); coding-DNA position 698, A replaced by G.
Protein change: p.Tyr233Cys; replaces tyrosine 233 with cysteine.
Molecular consequence: missense variant.
Genome position (GRCh38, 1-based): chr4:105,234,640, A>G. VCF-style: chr4-105234640-A-G. GRCh37 (hg19) VCF-style: chr4-106155797-A-G.
Other names: c.698A>G, p.Tyr233Cys (NM_017628.4); short protein forms Y233C.
Identifiers: ClinVar variation 3455352 (VCV003455352.1).
Genomic context (GRCh38, chr4:105,234,640, plus strand): 5'-TTTCTGCCTCTTCCGTGGAACACACACATGGTGAACTCCTGGAAAAAACACTGTCTCAAT[A>G]TTATCCAGATTGTGTTTCCATTGCGGTGCAGAAAACCACATCTCACATAAATGCCATTAA-3'
Protein context (NP_001120680.1, residues 223-243): GELLEKTLSQ[Tyr233Cys]YPDCVSIAVQ